The following is an entry in ClinVar:

ClinVar aggregate classification (germline): Uncertain significance (1 of 4 stars; one submission).

gnomAD v4.1: 5 of 1,612,738 alleles (0.00031%); highest among the groups gnomAD compares: African/African-American, 0.0067%; no homozygotes.

Submission:

Athena Diagnostics
Classification: Uncertain significance. Last evaluated: 2023-12-20. Review status: criteria provided, single submitter. Criteria: Athena Diagnostics Criteria. Collection method: clinical testing. Allele origin: unknown.
Comment: Available data are insufficient to determine the clinical significance of the variant at this time. The frequency of this variant in the general population is uninformative in assessment of its pathogenicity. This variant has been seen where an alternate explanation for disease was also identified, suggesting this variant may not cause disease. Computational tools yielded predictions that this variant is unlikely to have an effect on normal RNA splicing.

NM_001961.4(EEF2):c.2010G>A (p.Gln670=)

Gene: EEF2 (eukaryotic translation elongation factor 2; minus strand). Cytogenetic location: 19p13.3.
Variant type: single nucleotide variant.
Coding change: c.2010G>A on transcript NM_001961.4 (MANE Select); coding-DNA position 2010, G replaced by A.
Protein change: p.Gln670=; no amino-acid change (glutamine 670 retained).
Molecular consequence: synonymous variant.
Genome position (GRCh38, 1-based): chr19:3,977,876, C>T on the plus strand (G>A on the coding strand, the complement: EEF2 is on the minus strand). VCF-style: chr19-3977876-C-T. GRCh37 (hg19) VCF-style: chr19-3977874-C-T.
Identifiers: ClinVar variation 3571811 (VCV003571811.1).
Genomic context (GRCh38, chr19:3,977,876, plus strand): 5'-CACCTCCTTGGTGGCCCACTGGAAGCCGGCCACCACACTGTCCTTGATCTCGTTGAGGTA[C>T]TGCACACCCTTGGTGATGTCGGTGAGGATGTTGGGGCCGGTGCCGTCGGGCCCAAAGCAC-3'
Protein context (NP_001952.1, residues 660-680): NILTDITKGV[Gln670=]YLNEIKDSVV